The following is an entry in ClinVar:

NM_206933.4(USH2A):c.1481A>G (p.Tyr494Cys)

Gene: USH2A (usherin; minus strand). Cytogenetic location: 1q41.
Variant type: single nucleotide variant.
Coding change: c.1481A>G on transcript NM_206933.4 (MANE Select); coding-DNA position 1481, A replaced by G.
Protein change: p.Tyr494Cys; replaces tyrosine 494 with cysteine.
Molecular consequence: missense variant.
Genome position (GRCh38, 1-based): chr1:216,323,543, T>C on the plus strand (A>G on the coding strand, the complement: USH2A is on the minus strand). VCF-style: chr1-216323543-T-C. GRCh37 (hg19) VCF-style: chr1-216496885-T-C.
Other names: c.1481A>G, p.Tyr494Cys (NM_007123.6); c.1481A>G (NM_007123.5, NM_206933.3); short protein forms Y494C.
Identifiers: ClinVar variation 555113 (VCV000555113.19), dbSNP rs898430789, ClinGen allele CA37898140.

ClinVar aggregate classification (germline): Conflicting classifications of pathogenicity. Review status: criteria provided, conflicting classifications (1 of 4 stars). 10 submissions from 9 submitters: Pathogenic (1); Uncertain significance (8). 1 of the submissions does not count toward it. Last evaluated 2025-12-08.

Conditions:
Usher syndrome type 2A. Also called: RETINAL DISEASE IN USHER SYNDROME TYPE IIA, MODIFIER OF; USHER SYNDROME, TYPE IIA. Identifiers: Orphanet 231178, Orphanet 886, MedGen C1848634, MONDO:0010169, OMIM 276901.
Retinitis pigmentosa 39 (RP39). Identifiers: Orphanet 791, MedGen C3151138, MONDO:0013436, OMIM 613809.
Retinitis pigmentosa (RP). Identifiers: Orphanet 791, MedGen C0035334, MeSH D012174, MONDO:0019200, OMIM 268000. Inheritance: Autosomal dominant, autosomal recessive and X linked inheritance.
USH2A-related disorder. Also called: USH2A-related disorders; USH2A-related condition. Identifiers: MedGen CN239332.

Allele frequency attached by ClinVar (database versions not stated): gnomAD exomes below 0.00001 and 0.00001; gnomAD 0.00001.
gnomAD v4.1: 20 of 1,613,454 alleles (0.0012%); highest among the groups gnomAD compares: Middle Eastern, 0.016%; no homozygotes.

Submissions (10):

Labcorp Genetics (formerly Invitae), Labcorp
Classification: Uncertain significance. Last evaluated: 2025-12-08. Review status: criteria provided, single submitter. Criteria: Invitae Variant Classification Sherloc (09022015). Collection method: clinical testing. Allele origin: germline.
Comment: This sequence change replaces tyrosine, which is neutral and polar, with cysteine, which is neutral and slightly polar, at codon 494 of the USH2A protein (p.Tyr494Cys). This variant is present in population databases (no rsID available, gnomAD 0.0009%). This missense change has been observed in individuals with inherited retinal disease and/or retinitis pigmentosa (PMID: 28127548, 31456290, 38219857; internal data). ClinVar contains an entry for this variant (Variation ID: 555113). Invitae Evidence Modeling of protein sequence and biophysical properties (such as structural, functional, and spatial information, amino acid conservation, physicochemical variation, residue mobility, and thermodynamic stability) indicates that this missense variant is not expected to disrupt USH2A protein function with a negative predictive value of 95%. In summary, the available evidence is currently insufficient to determine the role of this variant in disease. Therefore, it has been classified as a Variant of Uncertain Significance.

Revvity Omics, Revvity
Classification: Uncertain significance. Last evaluated: 2025-01-09. Review status: criteria provided, single submitter. Criteria: ACMG Guidelines, 2015. Collection method: clinical testing. Allele origin: germline.

Genome-Nilou Lab
Classification: Uncertain significance for Retinitis pigmentosa 39. Last evaluated: 2023-11-04. Review status: criteria provided, single submitter. Criteria: ACMG Guidelines, 2015. Collection method: clinical testing. Allele origin: germline. Affected: no.

Genome-Nilou Lab
Classification: Uncertain significance for Usher syndrome type 2A. Last evaluated: 2023-11-04. Review status: criteria provided, single submitter. Criteria: ACMG Guidelines, 2015. Collection method: clinical testing. Allele origin: germline. Affected: no.

Blueprint Genetics
Classification: Pathogenic for USH2A-related disorders. Last evaluated: 2022-07-13. Review status: criteria provided, single submitter. Criteria: ACMG Guidelines, 2015. Collection method: clinical testing. Allele origin: germline. Affected: yes. Observed: 5 variant alleles.

Clinical Genetics Laboratory, Skane University Hospital Lund
Classification: Uncertain significance. Last evaluated: 2022-05-27. Review status: criteria provided, single submitter. Criteria: ACMG Guidelines, 2015. Collection method: clinical testing. Allele origin: germline. Affected: yes.

Fulgent Genetics
Classification: Uncertain significance for Usher syndrome type 2A; Retinitis pigmentosa 39. Last evaluated: 2021-12-06. Review status: criteria provided, single submitter. Criteria: ACMG Guidelines, 2015. Collection method: clinical testing. Allele origin: unknown.

Myriad Genetics, Inc.
Classification: Uncertain significance for Usher syndrome type 2A. Last evaluated: 2021-11-16. Review status: criteria provided, single submitter. Criteria: Myriad Women's Health Autosomal Recessive and X-Linked Classification Criteria (2021). Collection method: clinical testing. Allele origin: unknown.
Comment: NM_206933.2(USH2A):c.1481A>G(Y494C) is a missense variant classified as a variant of uncertain significance in the context of USH2A-related disorders. Y494C has been observed in cases with relevant disease (PMID: 28127548, 31456290). Functional assessments of this variant are not available in the literature. Y494C has been observed in population frequency databases (gnomAD: NFE <0.001%). In summary, there is insufficient evidence to classify NM_206933.2(USH2A):c.1481A>G(Y494C) as pathogenic or benign. Please note: this variant was assessed in the context of healthy population screening.

Breakthrough Genomics
Classification: Uncertain significance. Review status: criteria provided, single submitter. Criteria: ACMG Guidelines, 2015. Collection method: not provided. Allele origin: germline. Inheritance: Autosomal recessive inheritance. Affected: yes.

Sharon lab, Hadassah-Hebrew University Medical Center
Classification: Likely pathogenic for Retinitis pigmentosa. Last evaluated: 2019-06-23. Review status: no assertion criteria provided. Collection method: research. Allele origin: inherited. Affected: yes. Not counted in ClinVar's aggregate classification.

Literature cited by the submitters: PubMed 28127548 (cited by Labcorp Genetics (formerly Invitae), Labcorp and Myriad Genetics, Inc.); PubMed 31456290 (cited by Labcorp Genetics (formerly Invitae), Labcorp and Myriad Genetics, Inc.); PubMed 38219857 (cited by Labcorp Genetics (formerly Invitae), Labcorp).